The following is an entry in ClinVar:

ClinVar aggregate classification (germline): Uncertain significance (1 of 4 stars; one submission).

Conditions:
Early Myoclonic Encephalopathy. Identifiers: MedGen C0270855.

Allele frequency attached by ClinVar (database versions not stated): gnomAD 0.00001; ExAC 0.00001; gnomAD exomes 0.00002.
gnomAD v4.1: 33 of 1,613,582 alleles (0.002%); highest among the groups gnomAD compares: Non-Finnish European, 0.0025%; no homozygotes.

Submission:

Labcorp Genetics (formerly Invitae), Labcorp
Classification: Uncertain significance for Early Myoclonic Encephalopathy. Last evaluated: 2023-11-02. Review status: criteria provided, single submitter. Criteria: Invitae Variant Classification Sherloc (09022015). Collection method: clinical testing. Allele origin: germline.
Comment: This sequence change replaces proline, which is neutral and non-polar, with serine, which is neutral and polar, at codon 1646 of the JMJD1C protein (p.Pro1646Ser). This variant is present in population databases (rs772774859, gnomAD 0.01%). This variant has not been reported in the literature in individuals affected with JMJD1C-related conditions. Advanced modeling of protein sequence and biophysical properties (such as structural, functional, and spatial information, amino acid conservation, physicochemical variation, residue mobility, and thermodynamic stability) performed at Invitae indicates that this missense variant is not expected to disrupt JMJD1C protein function with a negative predictive value of 80%. In summary, the available evidence is currently insufficient to determine the role of this variant in disease. Therefore, it has been classified as a Variant of Uncertain Significance.

NM_032776.3(JMJD1C):c.4936C>T (p.Pro1646Ser)

Gene: JMJD1C (jumonji domain containing 1C; minus strand). Cytogenetic location: 10q21.3.
Variant type: single nucleotide variant.
Coding change: c.4936C>T on transcript NM_032776.3 (MANE Select); coding-DNA position 4936, C replaced by T.
Protein change: p.Pro1646Ser; replaces proline 1646 with serine.
Molecular consequence: missense variant. On other transcripts: non-coding transcript variant (1).
Genome position (GRCh38, 1-based): chr10:63,206,733, G>A on the plus strand (C>T on the coding strand, the complement: JMJD1C is on the minus strand). VCF-style: chr10-63206733-G-A. GRCh37 (hg19) VCF-style: chr10-64966493-G-A.
Other names: c.4390C>T, p.Pro1464Ser (NM_001282948.2, NM_001318154.2); c.4072C>T, p.Pro1358Ser (NM_001318153.2); c.4822C>T, p.Pro1608Ser (NM_001322252.2); c.4279C>T, p.Pro1427Ser (NM_001322254.2, NM_001322258.2); short protein forms P1464S, P1646S, P1358S, P1427S, P1608S.
Identifiers: ClinVar variation 2739456 (VCV002739456.3), dbSNP rs772774859, ClinGen allele CA5518184.